The following is an entry in ClinVar:

NM_022132.5(MCCC2):c.100C>T (p.Gln34Ter)

Gene: MCCC2 (methylcrotonyl-CoA carboxylase subunit 2; plus strand). Cytogenetic location: 5q13.2.
Variant type: single nucleotide variant.
Coding change: c.100C>T on transcript NM_022132.5 (MANE Select); coding-DNA position 100, C replaced by T.
Protein change: p.Gln34Ter; replaces glutamine 34 with a stop codon.
Molecular consequence: nonsense.
Genome position (GRCh38, 1-based): chr5:71,587,525, C>T. VCF-style: chr5-71587525-C-T. GRCh37 (hg19) VCF-style: chr5-70883352-C-T.
Other names: c.100C>T, p.Gln34Ter (NM_001363147.1); c.100C>T (NM_022132.4); short protein forms Q34*.
Identifiers: ClinVar variation 2676474 (VCV002676474.6), dbSNP rs1413464990, ClinGen allele CA360002247.
Genomic context (GRCh38, chr5:71,587,525, plus strand): 5'-CGCGCCTCTCCCGCCGGGCCGCGCGCCTATCACGGGGACTCGGTGGCCTCGCTGGGCACC[C>T]AGCCGGACTTGGGCTCTGCCCTCTACCAGGTAGGCTGAGCGCCCCGGTGGCCTGGCCGCC-3'

ClinVar aggregate classification (germline): Pathogenic/Likely pathogenic. Review status: criteria provided, multiple submitters, no conflicts (2 of 4 stars). 4 submissions from 4 submitters: Pathogenic (3); Likely pathogenic (1). Last evaluated 2026-06-18.

Conditions:
3-methylcrotonyl-CoA carboxylase 2 deficiency. Also called: 3 alpha methylcrotonyl-CoA carboxylase 2 deficiency; 3 alpha methylcrotonylglycinuria 2; MCC 2 deficiency; Methylcrotonylglycinuria type 2; METHYLCROTONYLGLYCINURIA, TYPE II. Identifiers: Orphanet 6, MedGen C1859499, MONDO:0008862, OMIM 210210.

Allele frequency attached by ClinVar (database versions not stated): gnomAD exomes below 0.00001; TOPMed below 0.00001; gnomAD 0.00001.
gnomAD v4.1: 3 of 1,538,148 alleles (0.0002%); highest among the groups gnomAD compares: Admixed American, 0.0039%; no homozygotes.

Submissions (4):

Myriad Genetics, Inc.
Classification: Pathogenic for 3-methylcrotonyl-CoA carboxylase 2 deficiency. Last evaluated: 2026-06-18. Review status: criteria provided, single submitter. Criteria: Myriad Autosomal Dominant, Autosomal Recessive and X-Linked Classification Criteria (2023). Collection method: clinical testing. Allele origin: unknown.
Comment: NM_022132.4(MCCC2):c.100C>T(Q34*) is a nonsense variant classified as pathogenic in the context of 3-methylcrotonyl-CoA carboxylase deficiency, MCCC2-related. Q34* has been observed in a case with relevant disease (PMID: 27601257). Relevant functional assessments of this variant are not available in the literature. Q34* has been observed in referenced population frequency databases. In summary, NM_022132.4(MCCC2):c.100C>T(Q34*) is a nonsense variant in a gene where loss of function is a known mechanism of disease, is predicted to disrupt protein function, and has been observed more frequently in cases with the relevant disease than in healthy populations. Please note: this variant was assessed in the context of healthy population screening.

Natera, Inc.
Classification: Likely pathogenic for 3-methylcrotonyl-CoA carboxylase 2 deficiency. Last evaluated: 2025-12-25. Review status: criteria provided, single submitter. Criteria: Natera Variant Classification Schema (03/2026). Collection method: clinical testing. Allele origin: germline.
Comment: The c.100C>T variant in MCCC2 is a nonsense variant predicted to introduce a stop codon at amino acid 34. This variant is expected to result in nonsense mediated decay, truncation, or a dysfunctional protein product. This variant is rare in the general population with a frequency below the threshold expected for the associated phenotype(s). Given the available evidence, this variant is classified as Likely Pathogenic.

Labcorp Genetics (formerly Invitae), Labcorp
Classification: Pathogenic for 3-methylcrotonyl-CoA carboxylase 2 deficiency. Last evaluated: 2024-11-04. Review status: criteria provided, single submitter. Criteria: Invitae Variant Classification Sherloc (09022015). Collection method: clinical testing. Allele origin: germline.
Comment: This sequence change creates a premature translational stop signal (p.Gln34*) in the MCCC2 gene. It is expected to result in an absent or disrupted protein product. Loss-of-function variants in MCCC2 are known to be pathogenic (PMID: 11181649, 22642865). The frequency data for this variant in the population databases is considered unreliable, as metrics indicate poor data quality at this position in the gnomAD database. This premature translational stop signal has been observed in individual(s) with MCCC2-related conditions (PMID: 7601257). ClinVar contains an entry for this variant (Variation ID: 2676474). For these reasons, this variant has been classified as Pathogenic.

Baylor Genetics
Classification: Pathogenic for 3-methylcrotonyl-CoA carboxylase 2 deficiency. Last evaluated: 2023-11-14. Review status: criteria provided, single submitter. Criteria: ACMG Guidelines, 2015. Collection method: clinical testing. Allele origin: unknown.

Literature cited by the submitters: PubMed 27601257 (cited by Myriad Genetics, Inc.); PubMed 11181649 (cited by Labcorp Genetics (formerly Invitae), Labcorp); PubMed 22642865 (cited by Labcorp Genetics (formerly Invitae), Labcorp); PubMed 7601257 (cited by Labcorp Genetics (formerly Invitae), Labcorp).